The following is an entry in ClinVar:

ClinVar aggregate classification (germline): Uncertain significance. Review status: criteria provided, multiple submitters, no conflicts (2 of 4 stars). 2 submissions from 2 submitters: Uncertain significance (2). Last evaluated 2022-08-08.

Conditions:
Neutrophil immunodeficiency syndrome. Also called: Immunodeficiency 73A with defective neutrophil chemotaxis and leukocytosis. Identifiers: Orphanet 183707, MedGen C1842398, MONDO:0011988, OMIM 608203.

Allele frequency attached by ClinVar (database versions not stated): gnomAD exomes below 0.00001; ExAC 0.00001; gnomAD 0.00001; TOPMed 0.00001; ESP Exome Variant Server 0.00008.
gnomAD v4.1: 3 of 1,612,928 alleles (0.00019%); highest among the groups gnomAD compares: East Asian, 0.0022%; no homozygotes.

Submissions (2):

Labcorp Genetics (formerly Invitae), Labcorp
Classification: Uncertain significance for Neutrophil immunodeficiency syndrome. Last evaluated: 2022-08-08. Review status: criteria provided, single submitter. Criteria: Invitae Variant Classification Sherloc (09022015). Collection method: clinical testing. Allele origin: germline.
Comment: In summary, the available evidence is currently insufficient to determine the role of this variant in disease. Therefore, it has been classified as a Variant of Uncertain Significance. Advanced modeling of protein sequence and biophysical properties (such as structural, functional, and spatial information, amino acid conservation, physicochemical variation, residue mobility, and thermodynamic stability) performed at Invitae indicates that this missense variant is not expected to disrupt RAC2 protein function. ClinVar contains an entry for this variant (Variation ID: 432838). This variant has not been reported in the literature in individuals affected with RAC2-related conditions. This variant is present in population databases (rs138762569, gnomAD 0.007%). This sequence change replaces arginine, which is basic and polar, with tryptophan, which is neutral and slightly polar, at codon 183 of the RAC2 protein (p.Arg183Trp).

GeneDx
Classification: Uncertain significance. Last evaluated: 2017-06-21. Review status: criteria provided, single submitter. Criteria: GeneDx Variant Classification (06012015). Collection method: clinical testing. Allele origin: germline. Affected: yes.
Comment: The R183W variant in the RAC2 gene has not been reported previously as a pathogenic variant, nor as a benign variant, to our knowledge. This variant is not observed at a significant frequency in large population cohorts (Lek et al., 2016; 1000 Genomes Consortium et al., 2015; Exome Variant Server). The R183W variant is a non-conservative amino acid substitution, which is likely to impact secondary protein structure as these residues differ in polarity, charge, size and/or other properties. In addition, this substitution occurs at a position where amino acids with similar properties to Arginine are tolerated across species. However, in silico analysis is inconsistent in its predictions as to whether or not the variant is damaging to the protein structure/function. We interpret R183W as a variant of uncertain significance.

NM_002872.5(RAC2):c.547C>T (p.Arg183Trp)

Gene: RAC2 (Rac family small GTPase 2; minus strand). Cytogenetic location: 22q13.1.
Variant type: single nucleotide variant.
Coding change: c.547C>T on transcript NM_002872.5 (MANE Select); coding-DNA position 547, C replaced by T.
Protein change: p.Arg183Trp; replaces arginine 183 with tryptophan.
Molecular consequence: missense variant.
Genome position (GRCh38, 1-based): chr22:37,226,705, G>A on the plus strand (C>T on the coding strand, the complement: RAC2 is on the minus strand). VCF-style: chr22-37226705-G-A. GRCh37 (hg19) VCF-style: chr22-37622745-G-A.
Other names: c.547C>T (LRG_97t1); short protein forms R183W.
Identifiers: ClinVar variation 432838 (VCV000432838.12), dbSNP rs138762569, ClinGen allele CA10217457.